The following is an entry in ClinVar:

NC_000004.11:g.(?_128841785)_(128886288_?)del

Gene: MFSD8 (major facilitator superfamily domain containing 8; minus strand). Cytogenetic location: 4q28.2.
Variant type: Deletion.
Identifiers: ClinVar variation 3246658 (VCV003246658.1).

ClinVar aggregate classification (germline): Pathogenic (1 of 4 stars; one submission).

Conditions:
Neuronal ceroid lipofuscinosis 7 (CLN7). Also called: MFSD8-Related Neuronal Ceroid-Lipofuscinosis. Identifiers: Orphanet 168491, Orphanet 228366, MedGen C1838571, MONDO:0012588, OMIM 610951.

Submission:

Labcorp Genetics (formerly Invitae), Labcorp
Classification: Pathogenic for Neuronal ceroid lipofuscinosis 7. Last evaluated: 2023-10-06. Review status: criteria provided, single submitter. Criteria: Invitae Variant Classification Sherloc (09022015). Collection method: clinical testing. Allele origin: unknown.
Comment: A gross deletion of the genomic region encompassing the full coding sequence of the MFSD8 gene has been identified. Loss-of-function variants in MFSD8 are known to be pathogenic (PMID: 19177532, 25227500, 28586915). The boundaries of this event are unknown as they extend beyond the assayed region for this gene and therefore may encompass additional genes. This variant has not been reported in the literature in individuals affected with MFSD8-related conditions. For these reasons, this variant has been classified as Pathogenic.

Literature cited by the submitters: PubMed 19177532; PubMed 25227500; PubMed 28586915.